The following is an entry in ClinVar:

ClinVar aggregate classification (germline): Likely benign. Review status: criteria provided, multiple submitters, no conflicts (2 of 4 stars). 2 submissions from 2 submitters: Likely benign (2). Last evaluated 2025-12-10.

Conditions:
LRP2-related disorder. Also called: LRP2-related condition.

Allele frequency attached by ClinVar (database versions not stated): gnomAD exomes 0.00001; ESP Exome Variant Server 0.00008.
gnomAD v4.1: 8 of 1,614,204 alleles (0.0005%); highest among the groups gnomAD compares: African/African-American, 0.0013%; no homozygotes.

Submissions (2):

PreventionGenetics, part of Exact Sciences
Classification: Likely benign for LRP2-related condition. Last evaluated: 2025-12-10. Review status: criteria provided, single submitter. Criteria: ACMG Guidelines, 2015. Collection method: clinical testing. Allele origin: germline.
Comment: This variant is classified as likely benign based on ACMG/AMP sequence variant interpretation guidelines (Richards et al. 2015 PMID: 25741868, with internal and published modifications).

Labcorp Genetics (formerly Invitae), Labcorp
Classification: Likely benign. Last evaluated: 2023-03-19. Review status: criteria provided, single submitter. Criteria: Invitae Variant Classification Sherloc (09022015). Collection method: clinical testing. Allele origin: germline.

NM_004525.3(LRP2):c.10842C>T (p.Asp3614=)

Gene: LRP2 (LDL receptor related protein 2; minus strand). Cytogenetic location: 2q31.1.
Variant type: single nucleotide variant.
Coding change: c.10842C>T on transcript NM_004525.3 (MANE Select); coding-DNA position 10842, C replaced by T.
Protein change: p.Asp3614=; no amino-acid change (aspartic acid 3614 retained).
Molecular consequence: synonymous variant.
Genome position (GRCh38, 1-based): chr2:169,174,091, G>A on the plus strand (C>T on the coding strand, the complement: LRP2 is on the minus strand). VCF-style: chr2-169174091-G-A. GRCh37 (hg19) VCF-style: chr2-170030601-G-A.
Other names: c.10842C>T (NM_004525.2).
Identifiers: ClinVar variation 2999909 (VCV002999909.4), dbSNP rs377746400, ClinGen allele CA59909745.